The following is an entry in ClinVar:

NM_001371279.1(REEP1):c.298G>T (p.Glu100Ter)

Gene: REEP1 (receptor accessory protein 1; minus strand). Cytogenetic location: 2p11.2.
Variant type: single nucleotide variant.
Coding change: c.298G>T on transcript NM_001371279.1 (MANE Select); coding-DNA position 298, G replaced by T.
Protein change: p.Glu100Ter; replaces glutamic acid 100 with a stop codon.
Molecular consequence: nonsense. On other transcripts: intron variant (1).
Genome position (GRCh38, 1-based): chr2:86,254,699, C>A on the plus strand (G>T on the coding strand, the complement: REEP1 is on the minus strand). VCF-style: chr2-86254699-C-A. GRCh37 (hg19) VCF-style: chr2-86481822-C-A.
Other names: c.319G>T, p.Glu107Ter (NM_001164730.2); c.217G>T, p.Glu73Ter (NM_001164731.2); c.298G>T, p.Glu100Ter (NM_001371280.1, NM_001410855.1, NM_001410856.1 and 1 more transcripts); c.182+9266G>T (NM_001164732.2); short protein forms E100*, E107*, E73*.
Identifiers: ClinVar variation 3346961 (VCV003346961.1).

ClinVar aggregate classification (germline): Likely pathogenic (0 of 4 stars; one submission).

Conditions:
REEP1-related disorder. Also called: REEP1-related condition.

Submission:

PreventionGenetics, part of Exact Sciences
Classification: Likely pathogenic for REEP1-related condition. Last evaluated: 2024-07-12. Review status: no assertion criteria provided. Collection method: clinical testing. Allele origin: germline.
Comment: The REEP1 c.298G>T variant is predicted to result in premature protein termination (p.Glu100*). To our knowledge, this variant has not been reported in the literature or in a large population database, indicating this variant is rare. Nonsense variants in REEP1 are expected to be pathogenic. This variant is interpreted as likely pathogenic.